The following is an entry in ClinVar:

NM_000199.3(SGSH):c.-145G>A

Genes: SGSH (N-sulfoglucosamine sulfohydrolase; minus strand), SLC26A11 (solute carrier family 26 member 11; plus strand), LOC130061900 (ATAC-STARR-seq lymphoblastoid silent region 9102; plus strand). Cytogenetic location: 17q25.3.
Variant type: single nucleotide variant.
Coding change: c.-145G>A on transcript NM_000199.3; 145 bases upstream of the start codon, G replaced by A.
Molecular consequence: 5 prime UTR variant (on NM_001166347.2).
Genome position (GRCh38, 1-based): chr17:80,220,458, C>T on the plus strand (G>A on the coding strand, the complement: SGSH is on the minus strand). VCF-style: chr17-80220458-C-T. GRCh37 (hg19) VCF-style: chr17-78194257-C-T.
Other names: c.-252C>T (NM_001166347.2); c.-182C>T (NM_001166348.2); c.-52C>T (NM_001166349.2); c.-249C>T (NM_173626.4).
Identifiers: ClinVar variation 670066 (VCV000670066.4), dbSNP rs117854297, ClinGen allele CA14413499.

ClinVar aggregate classification (germline): Benign. Review status: criteria provided, multiple submitters, no conflicts (2 of 4 stars). 2 submissions from 2 submitters: Benign (2). Last evaluated 2018-06-19.

Allele frequency attached by ClinVar (database versions not stated): gnomAD 0.44880 and 0.45541; gnomAD exomes 0.58309; TOPMed 0.42893; 1000 Genomes Project 30x 0.39772; 1000 Genomes Project 0.41514.
gnomAD v4.1: 417,607 of 751,114 alleles (56%); highest among the groups gnomAD compares: East Asian, 67%; 121,586 homozygotes.

Submissions (2):

GeneDx
Classification: Benign. Last evaluated: 2018-06-19. Review status: criteria provided, single submitter. Criteria: GeneDx Variant Classification (06012015). Collection method: clinical testing. Allele origin: germline. Affected: yes.
Comment: This variant is considered likely benign or benign based on one or more of the following criteria: it is a conservative change, it occurs at a poorly conserved position in the protein, it is predicted to be benign by multiple in silico algorithms, and/or has population frequency not consistent with disease.

Breakthrough Genomics
Classification: Benign. Review status: criteria provided, single submitter. Criteria: ACMG Guidelines, 2015. Collection method: not provided. Allele origin: germline. Inheritance: Unknown mechanism. Affected: yes.